The following is an entry in ClinVar:

ClinVar aggregate classification (germline): Likely benign. Review status: criteria provided, multiple submitters, no conflicts (2 of 4 stars). 8 submissions from 8 submitters: Likely benign (8). Last evaluated 2025-11-06.

Conditions:
Cardiovascular phenotype. Identifiers: MedGen CN230736.
Cardiomyopathy (CMYO). Also called: Cardiomyopathies. Identifiers: Orphanet 167848, MedGen C0878544, MONDO:0004994, HP:0001638. Inheritance: Various modes of inheritance.
Lethal congenital glycogen storage disease of heart. Also called: GLYCOGEN STORAGE DISEASE OF HEART; PHOSPHORYLASE KINASE DEFICIENCY OF HEART. Identifiers: Orphanet 439854, MedGen C1849813, MONDO:0009867, OMIM 261740.
Hypertrophic cardiomyopathy. Also called: HYPERTROPHIC MYOCARDIOPATHY. Identifiers: Orphanet 217569, MedGen C0007194, MeSH D002312, MONDO:0005045, HP:0001639.

Allele frequency attached by ClinVar (database versions not stated): gnomAD 0.00001 and 0.00003; gnomAD exomes 0.00006 and 0.00009; TOPMed 0.00006; ExAC 0.00010.
gnomAD v4.1: 88 of 1,610,496 alleles (0.0055%); highest among the groups gnomAD compares: South Asian, 0.08%; 1 homozygote.

Submissions (8):

Labcorp Genetics (formerly Invitae), Labcorp
Classification: Likely benign for Lethal congenital glycogen storage disease of heart. Last evaluated: 2025-11-06. Review status: criteria provided, single submitter. Criteria: Invitae Variant Classification Sherloc (09022015). Collection method: clinical testing. Allele origin: germline.

Blueprint Genetics
Classification: Likely benign. Last evaluated: 2024-10-25. Review status: criteria provided, single submitter. Criteria: ACMG Guidelines, 2015. Collection method: clinical testing. Allele origin: germline.

All of Us Research Program, National Institutes of Health
Classification: Likely benign for Hypertrophic cardiomyopathy. Last evaluated: 2024-01-11. Review status: criteria provided, single submitter. Criteria: ACMG Guidelines, 2015. Collection method: clinical testing. Allele origin: germline. Inheritance: Autosomal dominant inheritance. Observed: 10 variant alleles, 10 heterozygotes.
Comment: This study involves interpretation of variants in research participants for the purpose of population health screening. Participant phenotype was not available at the time of variant classification. Additional details can be found in publication PMID: 35346344, PMCID: PMC8962531

Ambry Genetics
Classification: Likely benign for Cardiovascular phenotype. Last evaluated: 2022-07-05. Review status: criteria provided, single submitter. Criteria: Ambry Variant Classification Scheme 2023. Collection method: clinical testing. Allele origin: germline.

GeneDx
Classification: Likely benign. Last evaluated: 2019-03-18. Review status: criteria provided, single submitter. Criteria: GeneDx Variant Classification Process June 2021. Collection method: clinical testing. Allele origin: germline. Affected: yes.

Color Diagnostics, LLC DBA Color Health
Classification: Likely benign for Cardiomyopathy. Last evaluated: 2018-12-01. Review status: criteria provided, single submitter. Criteria: ACMG Guidelines, 2015. Collection method: clinical testing. Allele origin: germline.

Laboratory for Molecular Medicine, Mass General Brigham Personalized Medicine
Classification: Likely benign. Last evaluated: 2015-04-15. Review status: criteria provided, single submitter. Criteria: LMM Criteria. Collection method: clinical testing. Allele origin: germline. Observed: 2 variant alleles.
Comment: p.Asn299Asn in exon 7 of PRKAG2: This variant is not expected to have clinical s ignificance because it does not alter an amino acid residue and is not located w ithin the splice consensus sequence. It has been identified in 12/15416 South As ian chromosomes by the Exome Aggregation Consortium (ExAC; dbSNP rs201876556).

Breakthrough Genomics
Classification: Likely benign. Review status: criteria provided, single submitter. Criteria: ACMG Guidelines, 2015. Collection method: not provided. Allele origin: germline. Inheritance: Autosomal dominant inheritance. Affected: yes.

NM_016203.4(PRKAG2):c.897C>T (p.Asn299=)

Gene: PRKAG2 (protein kinase AMP-activated non-catalytic subunit gamma 2; minus strand). Cytogenetic location: 7q36.1.
Variant type: single nucleotide variant.
Coding change: c.897C>T on transcript NM_016203.4 (MANE Select); coding-DNA position 897, C replaced by T.
Protein change: p.Asn299=; no amino-acid change (asparagine 299 retained).
Molecular consequence: synonymous variant.
Genome position (GRCh38, 1-based): chr7:151,576,420, G>A on the plus strand (C>T on the coding strand, the complement: PRKAG2 is on the minus strand). VCF-style: chr7-151576420-G-A. GRCh37 (hg19) VCF-style: chr7-151273506-G-A.
Other names: c.765C>T, p.Asn255= (NM_001040633.2); c.522C>T, p.Asn174= (NM_001304527.2); c.174C>T, p.Asn58= (NM_001304531.2, NM_024429.2); c.525C>T, p.Asn175= (NM_001363698.2).
Identifiers: ClinVar variation 45737 (VCV000045737.21), dbSNP rs201876556, ClinGen allele CA014632.